The following is an entry in ClinVar:

ClinVar aggregate classification (germline): Conflicting classifications of pathogenicity. Review status: criteria provided, conflicting classifications (1 of 4 stars). 2 submissions from 2 submitters: Uncertain significance (1); Likely benign (1). Last evaluated 2026-05-28.

Conditions:
Inborn genetic diseases. Identifiers: MedGen C0950123, MeSH D030342.
Spastic paraplegia. Identifiers: MedGen C0037772, HP:0001258.

Allele frequency attached by ClinVar (database versions not stated): ExAC 0.00001; TOPMed 0.00005; gnomAD 0.00001.
gnomAD v4.1: 3 of 1,210,330 alleles (0.00025%); highest among the groups gnomAD compares: African/African-American, 0.0035%; no homozygotes.

Submissions (2):

Ambry Genetics
Classification: Likely benign for Inborn genetic diseases. Last evaluated: 2026-05-28. Review status: criteria provided, single submitter. Criteria: Ambry Variant Classification Scheme 2023. Collection method: clinical testing. Allele origin: germline.

Labcorp Genetics (formerly Invitae), Labcorp
Classification: Uncertain significance for Spastic paraplegia. Last evaluated: 2025-03-16. Review status: criteria provided, single submitter. Criteria: Invitae Variant Classification Sherloc (09022015). Collection method: clinical testing. Allele origin: germline.
Comment: This sequence change replaces alanine, which is neutral and non-polar, with serine, which is neutral and polar, at codon 1176 of the KDM5C protein (p.Ala1176Ser). The frequency data for this variant in the population databases is considered unreliable, as metrics indicate poor data quality at this position in the gnomAD database. This variant has not been reported in the literature in individuals affected with KDM5C-related conditions. ClinVar contains an entry for this variant (Variation ID: 2263513). Invitae Evidence Modeling of protein sequence and biophysical properties (such as structural, functional, and spatial information, amino acid conservation, physicochemical variation, residue mobility, and thermodynamic stability) indicates that this missense variant is not expected to disrupt KDM5C protein function with a negative predictive value of 95%. In summary, the available evidence is currently insufficient to determine the role of this variant in disease. Therefore, it has been classified as a Variant of Uncertain Significance.

Literature cited by the submitters: PubMed 36413997 (cited by Ambry Genetics).

NM_004187.5(KDM5C):c.3526G>T (p.Ala1176Ser)

Gene: KDM5C (lysine demethylase 5C; minus strand). Cytogenetic location: Xp11.22.
Variant type: single nucleotide variant.
Coding change: c.3526G>T on transcript NM_004187.5 (MANE Select); coding-DNA position 3526, G replaced by T.
Protein change: p.Ala1176Ser; replaces alanine 1176 with serine.
Molecular consequence: missense variant. On other transcripts: non-coding transcript variant (3).
Genome position (GRCh38, 1-based): chrX:53,194,651, C>A on the plus strand (G>T on the coding strand, the complement: KDM5C is on the minus strand). VCF-style: chrX-53194651-C-A. GRCh37 (hg19) VCF-style: chrX-53223833-C-A.
Other names: c.3325G>T, p.Ala1109Ser (NM_001146702.2); c.3523G>T, p.Ala1175Ser (NM_001282622.3, NM_001353979.2, NM_001353982.2); c.3526G>T, p.Ala1176Ser (NM_001353978.3, NM_001353981.2, NM_001353984.2); short protein forms A1176S, A1109S, A1175S.
Identifiers: ClinVar variation 2263513 (VCV002263513.5), dbSNP rs782584200, ClinGen allele CA10419212.